The following is an entry in ClinVar:

ClinVar aggregate classification (germline): Uncertain significance (1 of 4 stars; one submission).

Submission:

Labcorp Genetics (formerly Invitae), Labcorp
Classification: Uncertain significance. Last evaluated: 2022-06-14. Review status: criteria provided, single submitter. Criteria: Invitae Variant Classification Sherloc (09022015). Collection method: clinical testing. Allele origin: germline.
Comment: In summary, the available evidence is currently insufficient to determine the role of this variant in disease. Therefore, it has been classified as a Variant of Uncertain Significance. Algorithms developed to predict the effect of sequence changes on RNA splicing suggest that this variant may disrupt the consensus splice site. This variant has not been reported in the literature in individuals affected with LMX1B-related conditions. This variant is not present in population databases (gnomAD no frequency). This sequence change falls in intron 6 of the LMX1B gene. It does not directly change the encoded amino acid sequence of the LMX1B protein.

NM_001174147.2(LMX1B):c.886+7_886+39dup

Gene: LMX1B (LIM homeobox transcription factor 1 beta; plus strand). Cytogenetic location: 9q33.3.
Variant type: Duplication.
Coding change: c.886+7_886+39dup on transcript NM_001174147.2 (MANE Select); bases 7 to 39 of the intron after coding-DNA position 886, 33 bases duplicated.
Molecular consequence: splice donor variant.
Genome position (GRCh38, 1-based): chr9:126,693,819-126,693,851, 33 bases duplicated; duplicating any 33 consecutive bases within chr9:126,693,803-126,693,851 gives the same sequence; the c. name uses the placement nearest the transcript's 3' end. GRCh37 (hg19): chr9:129,456,098-129,456,130.
Other names: c.893_919+6dup (NM_001174146.2); c.886+7_886+39dup (NM_002316.4).
Identifiers: ClinVar variation 1971043 (VCV001971043.5), dbSNP rs746256519, ClinGen allele CA860114924.
Genomic context (GRCh38, chr9:126,693,802, plus strand): 5'-GCAGATGAAGAAGCTGGCGCGGCGGCACCAGCAGCAGCAGGAGCAGCAGAACTCCCAGCG[G>GCTGGGCCAGGGTGAGCCGGGGCCGGGGCAGGGC]CTGGGCCAGGGTGAGCCGGGGCCGGGGCAGGGCCTGGGCCAGGGTGAGCTGGGGCCGGGG-3'